The following is an entry in ClinVar:

NM_001371986.1(UNC80):c.6433C>A (p.Pro2145Thr)

Gene: UNC80 (unc-80 subunit of NALCN channel complex; plus strand). Cytogenetic location: 2q34.
Variant type: single nucleotide variant.
Coding change: c.6433C>A on transcript NM_001371986.1 (MANE Select); coding-DNA position 6433, C replaced by A.
Protein change: p.Pro2145Thr; replaces proline 2145 with threonine.
Molecular consequence: missense variant.
Genome position (GRCh38, 1-based): chr2:209,937,598, C>A. VCF-style: chr2-209937598-C-A. GRCh37 (hg19) VCF-style: chr2-210802322-C-A.
Other names: c.6235C>A, p.Pro2079Thr (NM_032504.2); c.6220C>A, p.Pro2074Thr (NM_182587.4); short protein forms P2074T, P2145T, P2079T.
Identifiers: ClinVar variation 2002489 (VCV002002489.4), dbSNP rs1405762622, ClinGen allele CA350771672.

ClinVar aggregate classification (germline): Uncertain significance (1 of 4 stars; one submission).

gnomAD v4.1: 3 of 1,551,820 alleles (0.00019%); highest among the groups gnomAD compares: Non-Finnish European, 0.00017%; no homozygotes.

Submission:

Labcorp Genetics (formerly Invitae), Labcorp
Classification: Uncertain significance. Last evaluated: 2022-06-05. Review status: criteria provided, single submitter. Criteria: Invitae Variant Classification Sherloc (09022015). Collection method: clinical testing. Allele origin: germline.
Comment: This variant has not been reported in the literature in individuals affected with UNC80-related conditions. Algorithms developed to predict the effect of missense changes on protein structure and function are either unavailable or do not agree on the potential impact of this missense change (SIFT: "Not Available"; PolyPhen-2: "Probably Damaging"; Align-GVGD: "Not Available"). Algorithms developed to predict the effect of sequence changes on RNA splicing suggest that this variant may disrupt the consensus splice site. In summary, the available evidence is currently insufficient to determine the role of this variant in disease. Therefore, it has been classified as a Variant of Uncertain Significance. This variant is present in population databases (no rsID available, gnomAD 0.002%). This sequence change replaces proline, which is neutral and non-polar, with threonine, which is neutral and polar, at codon 2079 of the UNC80 protein (p.Pro2079Thr).